The following is an entry in ClinVar:

ClinVar aggregate classification (germline): Likely benign. Review status: criteria provided, single submitter (1 of 4 stars). 2 submissions from 2 submitters: Likely benign (1). 1 of the submissions does not count toward it. Last evaluated 2024-02-17.

Conditions:
CHARGE syndrome (CHARGE). Also called: Hittner Hirsch Kreh syndrome; CHARGE ASSOCIATION--COLOBOMA, HEART ANOMALY, CHOANAL ATRESIA, RETARDATION, GENITAL AND EAR ANOMALIES; Coloboma, heart anomaly, choanal atresia, retardation, genital and ear anomalies; CHARGE association; Hall-Hittner syndrome. Identifiers: Orphanet 138, MedGen C0265354, MONDO:0008965.
SEMA3E-related disorder. Also called: SEMA3E-related condition.

Allele frequency attached by ClinVar (database versions not stated): ExAC 0.00001; gnomAD exomes 0.00001 and 0.00002; gnomAD 0.00003.
gnomAD v4.1: 22 of 1,612,224 alleles (0.0014%); highest among the groups gnomAD compares: Admixed American, 0.01%; no homozygotes.

Submissions (2):

Labcorp Genetics (formerly Invitae), Labcorp
Classification: Likely benign for CHARGE syndrome. Last evaluated: 2024-02-17. Review status: criteria provided, single submitter. Criteria: Invitae Variant Classification Sherloc (09022015). Collection method: clinical testing. Allele origin: germline.

PreventionGenetics, part of Exact Sciences
Classification: Likely benign for SEMA3E-related condition. Last evaluated: 2023-08-16. Review status: no assertion criteria provided. Collection method: clinical testing. Allele origin: germline. Not counted in ClinVar's aggregate classification.
Comment: This variant is classified as likely benign based on ACMG/AMP sequence variant interpretation guidelines (Richards et al. 2015 PMID: 25741868, with internal and published modifications).

NM_012431.3(SEMA3E):c.1667+7C>T

Gene: SEMA3E (semaphorin 3E; minus strand). Cytogenetic location: 7q21.11.
Variant type: single nucleotide variant.
Coding change: c.1667+7C>T on transcript NM_012431.3 (MANE Select); 7 bases into the intron after coding-DNA position 1667, C replaced by T.
Molecular consequence: intron variant.
Genome position (GRCh38, 1-based): chr7:83,392,548, G>A on the plus strand (C>T on the coding strand, the complement: SEMA3E is on the minus strand). VCF-style: chr7-83392548-G-A. GRCh37 (hg19) VCF-style: chr7-83021864-G-A.
Other names: c.1487+7C>T (NM_001178129.2); c.1667+7C>T (NM_012431.2).
Identifiers: ClinVar variation 1104911 (VCV001104911.11), dbSNP rs757094477, ClinGen allele CA4321955.
Genomic context (GRCh38, chr7:83,392,548, plus strand): 5'-AAAAAAAAAAAAAAGCATTAGGGTTTTCCTAAGCAAGGGAAATAGTTAATCAGGTAGCAC[G>A]TCTCACCTTTTTGCATGTGTGCCTGTTGGGTAATACCGGGAGCAGGATATGCCATCCCAG-3'